The following is an entry in ClinVar:

ClinVar aggregate classification (germline): Uncertain significance (1 of 4 stars; one submission).

Conditions:
MHC class II deficiency. Also called: Bare lymphocyte syndrome 2; BLS, TYPE II. Identifiers: Orphanet 572, MedGen C5447452, MONDO:0008855.

Allele frequency attached by ClinVar (database versions not stated): ExAC 0.00001; gnomAD exomes 0.00002; TOPMed 0.00002.
gnomAD v4.1: 47 of 1,613,978 alleles (0.0029%); highest among the groups gnomAD compares: Non-Finnish European, 0.0035%; no homozygotes.

Submission:

Labcorp Genetics (formerly Invitae), Labcorp
Classification: Uncertain significance for MHC class II deficiency. Last evaluated: 2021-05-21. Review status: criteria provided, single submitter. Criteria: Invitae Variant Classification Sherloc (09022015). Collection method: clinical testing. Allele origin: germline.
Comment: In summary, the available evidence is currently insufficient to determine the role of this variant in disease. Therefore, it has been classified as a Variant of Uncertain Significance. Algorithms developed to predict the effect of missense changes on protein structure and function output the following: SIFT: "Tolerated"; PolyPhen-2: "Benign"; Align-GVGD: "Class C0". The valine amino acid residue is found in multiple mammalian species, suggesting that this missense change does not adversely affect protein function. These predictions have not been confirmed by published functional studies and their clinical significance is uncertain. This variant has not been reported in the literature in individuals with RFX5-related conditions. This variant is present in population databases (rs754036790, ExAC 0.001%). This sequence change replaces alanine with valine at codon 401 of the RFX5 protein (p.Ala401Val). The alanine residue is weakly conserved and there is a small physicochemical difference between alanine and valine.

NM_001025603.2(RFX5):c.1202C>T (p.Ala401Val)

Gene: RFX5 (regulatory factor X5; minus strand). Cytogenetic location: 1q21.3.
Variant type: single nucleotide variant.
Coding change: c.1202C>T on transcript NM_001025603.2 (MANE Select); coding-DNA position 1202, C replaced by T.
Protein change: p.Ala401Val; replaces alanine 401 with valine.
Molecular consequence: missense variant.
Genome position (GRCh38, 1-based): chr1:151,342,835, G>A on the plus strand (C>T on the coding strand, the complement: RFX5 is on the minus strand). VCF-style: chr1-151342835-G-A. GRCh37 (hg19) VCF-style: chr1-151315311-G-A.
Other names: c.1202C>T, p.Ala401Val (NM_000449.4, NM_001379412.1, NM_001379413.1 and 5 more transcripts); c.1082C>T, p.Ala361Val (NM_001379419.1, NM_001379420.1); short protein forms A401V, A361V.
Identifiers: ClinVar variation 858954 (VCV000858954.8), dbSNP rs754036790, ClinGen allele CA1089644.
Genomic context (GRCh38, chr1:151,342,835, plus strand): 5'-CCACCTATGCCTACCTCTCTGTTCTCTGTGCCCCGGGGCTGAGTGAGTCCCCCAGGTGGA[G>A]CTCGCCCAGGCCCAGGTCCAGGTCCAGGCAAAGCAGGAACAGTTGGTAAGATCATGTTAA-3'
Protein context (NP_001020774.1, residues 391-411): LPGPGPGPGR[Ala401Val]PPGGLTQPRG